The following is an entry in ClinVar:

ClinVar aggregate classification (germline): Uncertain significance (1 of 4 stars; one submission).

Allele frequency attached by ClinVar (database versions not stated): gnomAD exomes below 0.00001 and 0.00003; ExAC 0.00001; ESP Exome Variant Server 0.00008.
gnomAD v4.1: 47 of 1,611,682 alleles (0.0029%); highest among the groups gnomAD compares: Non-Finnish European, 0.0035%; no homozygotes.

Submission:

Labcorp Genetics (formerly Invitae), Labcorp
Classification: Uncertain significance. Last evaluated: 2025-09-19. Review status: criteria provided, single submitter. Criteria: Invitae Variant Classification Sherloc (09022015). Collection method: clinical testing. Allele origin: germline.
Comment: This sequence change affects a donor splice site in intron 12 of the TNNI3K gene. It is expected to disrupt RNA splicing. Variants that disrupt the donor or acceptor splice site typically lead to a loss of protein function (PMID: 16199547), however the current clinical and genetic evidence is not sufficient to establish whether loss-of-function variants in TNNI3K cause disease. This variant is present in population databases (rs201614061, gnomAD 0.002%). This variant has not been reported in the literature in individuals affected with TNNI3K-related conditions. ClinVar contains an entry for this variant (Variation ID: 1497074). Algorithms developed to predict the effect of sequence changes on RNA splicing suggest that this variant may disrupt the consensus splice site. In summary, the available evidence is currently insufficient to determine the role of this variant in disease. Therefore, it has been classified as a Variant of Uncertain Significance.

Literature cited by the submitters: PubMed 16199547.

NM_015978.3(TNNI3K):c.1264+1G>T

Genes: FPGT-TNNI3K (FPGT-TNNI3K readthrough; plus strand), TNNI3K (TNNI3 interacting kinase; plus strand). Cytogenetic location: 1p31.1.
Variant type: single nucleotide variant.
Coding change: c.1264+1G>T on transcript NM_015978.3 (MANE Select); the canonical splice donor site of the intron after coding-DNA position 1264, G replaced by T.
Molecular consequence: splice donor variant.
Genome position (GRCh38, 1-based): chr1:74,367,343, G>T. VCF-style: chr1-74367343-G-T. GRCh37 (hg19) VCF-style: chr1-74833027-G-T.
Other names: c.1567+1G>T (NM_001112808.3, NM_001199327.2).
Identifiers: ClinVar variation 1497074 (VCV001497074.8), dbSNP rs201614061, ClinGen allele CA909207.
Genomic context (GRCh38, chr1:74,367,343, plus strand): 5'-AGCATTATAAGAGACCACAAGATGAATTGCCCTGTAATGAATATTCTCAGCCTGGAGGAG[G>T]TACCCCTTTTCTTATTCAGTTTTCATTATTGTATAATATATTGTGCCTAAAGGTAAACCT-3'